The following is an entry in ClinVar:

NM_001754.5(RUNX1):c.1003C>T (p.Gln335Ter)

Gene: RUNX1 (RUNX family transcription factor 1; minus strand). Cytogenetic location: 21q22.12.
Variant type: single nucleotide variant.
Coding change: c.1003C>T on transcript NM_001754.5 (MANE Select); coding-DNA position 1003, C replaced by T.
Protein change: p.Gln335Ter; replaces glutamine 335 with a stop codon.
Molecular consequence: nonsense.
Genome position (GRCh38, 1-based): chr21:34,792,575, G>A on the plus strand (C>T on the coding strand, the complement: RUNX1 is on the minus strand). VCF-style: chr21-34792575-G-A. GRCh37 (hg19) VCF-style: chr21-36164872-G-A.
Other names: NM_001754.5(RUNX1):c.1003C>T; c.1003C>T (NM_001754.4); c.922C>T, p.Gln308Ter (NM_001001890.3); short protein forms Q335*, Q308*.
Identifiers: ClinVar variation 561221 (VCV000561221.7), dbSNP rs1569002881, ClinGen allele CA410148673.

ClinVar aggregate classification (germline): Likely pathogenic. Review status: reviewed by expert panel (3 of 4 stars). 3 submissions from 3 submitters: Likely pathogenic (1). 2 of the submissions do not count toward it. Last evaluated 2026-10-01.

Conditions:
Hereditary thrombocytopenia and hematologic cancer predisposition syndrome. Identifiers: Orphanet 71290, MedGen CN281654, MONDO:0011071.
Hereditary thrombocytopenia and hematological cancer predisposition syndrome associated with RUNX1. Also called: Familial thrombocytopenia with propensity to acute myelogenous leukemia; Familial Platelet Disorder with Propensity to Acute Myelogenous Leukemia; RUNX1 Familial Platelet Disorder with Associated Myeloid Malignancies; PLATELET DISORDER, ASPIRIN-LIKE. Identifiers: Orphanet 71290, MedGen C1832388, MeSH C563324, MONDO:0100083, OMIM 601399.

Submissions (3):

ClinGen Myeloid Malignancy Variant Curation Expert Panel
Classification: Likely pathogenic for Hereditary thrombocytopenia and hematologic cancer predisposition syndrome. Last evaluated: 2026-10-01. Review status: reviewed by expert panel. Criteria: ClinGen MyeloMalig ACMG Specifications V3.1. Collection method: curation. Allele origin: germline. Inheritance: Autosomal dominant inheritance.
Comment: NM_001754.5(RUNX1):c.1003C>T (p.Gln335Ter) is a nonsense variant which is not predicted to undergo NMD (PVS1_Strong). This variant is downstream of c.98 (PM5_Supporting) and is completely absent from all population databases with at least 20x coverage for RUNX1 (PM2_Supporting). In summary, this variant meets criteria to be classified as likely pathogenic. ACMG/AMP criteria applied, as specified by the Myeloid Malignancy Variant Curation Expert Panel for RUNX1: PVS1_Strong, PM5_Supporting, PM2_Supporting.

Genetic Service Laboratory, Queen Elizabeth Hospital
Classification: Likely pathogenic for Hereditary thrombocytopenia and hematological cancer predisposition syndrome associated with RUNX1. Last evaluated: 2022-12-06. Review status: criteria provided, single submitter. Criteria: Luo et al. (Blood Adv. 2019). Collection method: clinical testing. Allele origin: germline. Inheritance: Autosomal dominant inheritance. Affected: yes. Observed: 1 heterozygote. Not counted in ClinVar's aggregate classification.
Comment: The variant is a nonsense variant that is not expected to result in nonsense-mediated mRNA decay (c.914-c.1440), but the predicted truncated/altered region (removes aa 335-480) is critical to protein function (PVS1_Strong). This variant is completely absent from all population databases with at least 20x coverage for RUNX1 (PM2_Supporting). The variant has been reported in patients with familial platelet disorder with predisposition to hematologic malignancies in the literature (Myeloid Malignancy VCEP and ClinVar). (PS4_Moderate; SCV001367945.1, SCV000807750.1).

PreventionGenetics, part of Exact Sciences
Classification: Likely pathogenic. Last evaluated: 2016-08-18. Review status: criteria provided, single submitter. Criteria: ACMG Guidelines, 2015. Collection method: clinical testing. Allele origin: germline. Not counted in ClinVar's aggregate classification.